The following is an entry in ClinVar:

ClinVar aggregate classification (germline): Uncertain significance (1 of 4 stars; one submission).

Conditions:
Ataxia-telangiectasia syndrome (AT). Also called: Cerebello-oculocutaneous telangiectasia; Immunodeficiency with ataxia telangiectasia; LOUIS-BAR SYNDROME; Ataxia-telangiectasia, complementation group D; AT, COMPLEMENTATION GROUP C; Ataxia-telangiectasia. Identifiers: Orphanet 100, MedGen C0004135, MONDO:0008840, OMIM 208900.

Submission:

Labcorp Genetics (formerly Invitae), Labcorp
Classification: Uncertain significance for Ataxia-telangiectasia syndrome. Last evaluated: 2022-03-17. Review status: criteria provided, single submitter. Criteria: Invitae Variant Classification Sherloc (09022015). Collection method: clinical testing. Allele origin: germline.
Comment: This sequence change replaces tyrosine, which is neutral and polar, with cysteine, which is neutral and slightly polar, at codon 1034 of the ATM protein (p.Tyr1034Cys). This variant is not present in population databases (gnomAD no frequency). This variant has not been reported in the literature in individuals affected with ATM-related conditions. Advanced modeling of protein sequence and biophysical properties (such as structural, functional, and spatial information, amino acid conservation, physicochemical variation, residue mobility, and thermodynamic stability) performed at Invitae indicates that this missense variant is not expected to disrupt ATM protein function. In summary, the available evidence is currently insufficient to determine the role of this variant in disease. Therefore, it has been classified as a Variant of Uncertain Significance.

NM_000051.4(ATM):c.3101A>G (p.Tyr1034Cys)

Gene: ATM (ATM serine/threonine kinase; plus strand). Cytogenetic location: 11q22.3.
Variant type: single nucleotide variant.
Coding change: c.3101A>G on transcript NM_000051.4 (MANE Select); coding-DNA position 3101, A replaced by G.
Protein change: p.Tyr1034Cys; replaces tyrosine 1034 with cysteine.
Molecular consequence: missense variant.
Genome position (GRCh38, 1-based): chr11:108,272,555, A>G. VCF-style: chr11-108272555-A-G. GRCh37 (hg19) VCF-style: chr11-108143282-A-G.
Other names: c.3101A>G, p.Tyr1034Cys (NM_001351834.2); short protein forms Y1034C.
Identifiers: ClinVar variation 2195814 (VCV002195814.4), dbSNP rs2135565571, ClinGen allele CA382515107.